The following is an entry in ClinVar:

NM_006306.4(SMC1A):c.1714C>T (p.Pro572Ser)

Gene: SMC1A (structural maintenance of chromosomes 1A; minus strand). Cytogenetic location: Xp11.22.
Variant type: single nucleotide variant.
Coding change: c.1714C>T on transcript NM_006306.4 (MANE Select); coding-DNA position 1714, C replaced by T.
Protein change: p.Pro572Ser; replaces proline 572 with serine.
Molecular consequence: missense variant.
Genome position (GRCh38, 1-based): chrX:53,405,788, G>A on the plus strand (C>T on the coding strand, the complement: SMC1A is on the minus strand). VCF-style: chrX-53405788-G-A. GRCh37 (hg19) VCF-style: chrX-53432720-G-A.
Other names: c.1648C>T, p.Pro550Ser (NM_001281463.1); short protein forms P550S, P572S.
Identifiers: ClinVar variation 2419205 (VCV002419205.4), dbSNP rs2520930073, ClinGen allele CA413253458.

ClinVar aggregate classification (germline): Likely pathogenic (1 of 4 stars; one submission).

Conditions:
Congenital muscular hypertrophy-cerebral syndrome (CDLS2). Also called: Cornelia de Lange syndrome 2; SMC1A-Related Cornelia de Lange Syndrome. Identifiers: Orphanet 199, MedGen C1802395, MONDO:0010370, OMIM 300590.

Submission:

Labcorp Genetics (formerly Invitae), Labcorp
Classification: Likely pathogenic for Congenital muscular hypertrophy-cerebral syndrome. Last evaluated: 2022-08-01. Review status: criteria provided, single submitter. Criteria: Invitae Variant Classification Sherloc (09022015). Collection method: clinical testing. Allele origin: germline.
Comment: In summary, the currently available evidence indicates that the variant is pathogenic, but additional data are needed to prove that conclusively. Therefore, this variant has been classified as Likely Pathogenic. Advanced modeling of protein sequence and biophysical properties (such as structural, functional, and spatial information, amino acid conservation, physicochemical variation, residue mobility, and thermodynamic stability) performed at Invitae indicates that this missense variant is expected to disrupt SMC1A protein function. This missense change has been observed in individuals with clinical features of Cornelia de Lange syndrome (PMID: 31157197; Invitae). This variant is not present in population databases (gnomAD no frequency). This sequence change replaces proline, which is neutral and non-polar, with serine, which is neutral and polar, at codon 572 of the SMC1A protein (p.Pro572Ser).

Literature cited by the submitters: PubMed 31157197.